The following is an entry in ClinVar:

ClinVar aggregate classification (germline): Uncertain significance (1 of 4 stars; one submission).

Conditions:
Inborn genetic diseases. Identifiers: MedGen C0950123, MeSH D030342.

gnomAD v4.1: 2 of 1,600,760 alleles (0.00012%); highest among the groups gnomAD compares: Admixed American, 0.0017%; no homozygotes.

Submission:

Ambry Genetics
Classification: Uncertain significance for Inborn genetic diseases. Last evaluated: 2025-02-08. Review status: criteria provided, single submitter. Criteria: Ambry Variant Classification Scheme 2023. Collection method: clinical testing. Allele origin: germline.
Comment: The p.E1216K variant (also known as c.3646G>A), located in coding exon 24 of the ANKRD26 gene, results from a G to A substitution at nucleotide position 3646. The glutamic acid at codon 1216 is replaced by lysine, an amino acid with similar properties. This amino acid position is conserved. In addition, this alteration is predicted to be tolerated by in silico analysis. Based on the available evidence, the clinical significance of this variant remains unclear.

NM_014915.3(ANKRD26):c.3646G>A (p.Glu1216Lys)

Gene: ANKRD26 (ankyrin repeat domain containing 26; minus strand). Cytogenetic location: 10p12.1.
Variant type: single nucleotide variant.
Coding change: c.3646G>A on transcript NM_014915.3 (MANE Select); coding-DNA position 3646, G replaced by A.
Protein change: p.Glu1216Lys; replaces glutamic acid 1216 with lysine.
Molecular consequence: missense variant.
Genome position (GRCh38, 1-based): chr10:27,034,804, C>T on the plus strand (G>A on the coding strand, the complement: ANKRD26 is on the minus strand). VCF-style: chr10-27034804-C-T. GRCh37 (hg19) VCF-style: chr10-27323733-C-T.
Other names: c.3643G>A, p.Glu1215Lys (NM_001256053.2); short protein forms E1216K, E1215K.
Identifiers: ClinVar variation 3871020 (VCV003871020.1).